The following is an entry in ClinVar:

NM_004415.4(DSP):c.6817G>A (p.Gly2273Ser)

Gene: DSP (desmoplakin; plus strand). Cytogenetic location: 6p24.3.
Variant type: single nucleotide variant.
Coding change: c.6817G>A on transcript NM_004415.4 (MANE Select); coding-DNA position 6817, G replaced by A.
Protein change: p.Gly2273Ser; replaces glycine 2273 with serine.
Molecular consequence: missense variant.
Genome position (GRCh38, 1-based): chr6:7,584,079, G>A. VCF-style: chr6-7584079-G-A. GRCh37 (hg19) VCF-style: chr6-7584312-G-A.
Other names: c.5020G>A, p.Gly1674Ser (NM_001008844.3); c.5488G>A, p.Gly1830Ser (NM_001319034.2); short protein forms G1674S, G2273S, G1830S.
Identifiers: ClinVar variation 5035638 (VCV005035638.1).

ClinVar aggregate classification (germline): Uncertain significance (1 of 4 stars; one submission).

Conditions:
Cardiovascular phenotype. Identifiers: MedGen CN230736.

gnomAD v4.1: 1 of 1,614,100 alleles (0.000062%); highest among the groups gnomAD compares: Non-Finnish European, 0.000085%; no homozygotes.

Submission:

Ambry Genetics
Classification: Uncertain significance for Cardiovascular phenotype. Last evaluated: 2026-07-06. Review status: criteria provided, single submitter. Criteria: Ambry Variant Classification Scheme 2023. Collection method: clinical testing. Allele origin: germline.
Comment: The p.G2273S variant (also known as c.6817G>A), located in coding exon 24 of the DSP gene, results from a G to A substitution at nucleotide position 6817. The glycine at codon 2273 is replaced by serine, an amino acid with similar properties. This amino acid position is conserved. In addition, this alteration is predicted to be tolerated by in silico analysis. Based on the available evidence, the clinical significance of this variant remains unclear.